The following is an entry in ClinVar:

ClinVar aggregate classification (germline): Uncertain significance (1 of 4 stars; one submission).

Conditions:
Familial adenomatous polyposis 1 (FAP1). Also called: FAMILIAL ADENOMATOUS POLYPOSIS 1, ATTENUATED; POLYPOSIS, ADENOMATOUS INTESTINAL. Identifiers: MedGen C2713442, MONDO:0021056, OMIM 175100. Disease mechanism: loss of function.

Submission:

Labcorp Genetics (formerly Invitae), Labcorp
Classification: Uncertain significance for Familial adenomatous polyposis 1. Last evaluated: 2022-05-24. Review status: criteria provided, single submitter. Criteria: Invitae Variant Classification Sherloc (09022015). Collection method: clinical testing. Allele origin: germline.
Comment: In summary, the available evidence is currently insufficient to determine the role of this variant in disease. Therefore, it has been classified as a Variant of Uncertain Significance. Algorithms developed to predict the effect of missense changes on protein structure and function output the following: SIFT: "Tolerated"; PolyPhen-2: "Benign"; Align-GVGD: "Class C0". The proline amino acid residue is found in multiple mammalian species, which suggests that this missense change does not adversely affect protein function. This variant has not been reported in the literature in individuals affected with APC-related conditions. This variant is not present in population databases (gnomAD no frequency). This sequence change replaces serine, which is neutral and polar, with proline, which is neutral and non-polar, at codon 280 of the APC protein (p.Ser280Pro).

NM_000038.6(APC):c.838T>C (p.Ser280Pro)

Gene: APC (APC regulator of Wnt signaling pathway; plus strand). Cytogenetic location: 5q22.2.
Variant type: single nucleotide variant.
Coding change: c.838T>C on transcript NM_000038.6 (MANE Select); coding-DNA position 838, T replaced by C.
Protein change: p.Ser280Pro; replaces serine 280 with proline.
Molecular consequence: missense variant. On other transcripts: 5 prime UTR variant (1).
Genome position (GRCh38, 1-based): chr5:112,815,498, T>C. VCF-style: chr5-112815498-T-C. GRCh37 (hg19) VCF-style: chr5-112151195-T-C.
Other names: c.838T>C, p.Ser280Pro (NM_001127510.3, NM_001354895.2, NM_001354896.2 and 12 more transcripts); c.784T>C, p.Ser262Pro (NM_001127511.3); c.868T>C, p.Ser290Pro (NM_001354897.2, NM_001354902.2, NM_001407446.1); c.763T>C, p.Ser255Pro (NM_001354898.2, NM_001354904.2, NM_001407451.1); c.754T>C, p.Ser252Pro (NM_001354899.2, NM_001407452.1, NM_001407467.1 and 1 more transcripts); c.661T>C, p.Ser221Pro (NM_001354900.2, NM_001354901.2, NM_001354905.2 and 1 more transcripts); c.-12T>C (NM_001354906.2, NM_001407470.1, NM_001407471.1 and 1 more transcripts); short protein forms S221P, S280P, S290P, S262P, S252P, S255P.
Identifiers: ClinVar variation 1998154 (VCV001998154.4), dbSNP rs2149762318, ClinGen allele CA16023159.